The following is an entry in ClinVar:

NM_003631.5(PARG):c.2801G>A (p.Arg934Gln)

Gene: PARG (poly(ADP-ribose) glycohydrolase; minus strand). Cytogenetic location: 10q11.23.
Variant type: single nucleotide variant.
Coding change: c.2801G>A on transcript NM_003631.5 (MANE Select); coding-DNA position 2801, G replaced by A.
Protein change: p.Arg934Gln; replaces arginine 934 with glutamine.
Molecular consequence: missense variant. On other transcripts: non-coding transcript variant (7).
Genome position (GRCh38, 1-based): chr10:49,819,470, C>T on the plus strand (G>A on the coding strand, the complement: PARG is on the minus strand). VCF-style: chr10-49819470-C-T. GRCh37 (hg19) VCF-style: chr10-51027516-C-T.
Other names: c.2555G>A, p.Arg852Gln (NM_001303486.3, NM_001324381.3); c.2477G>A, p.Arg826Gln (NM_001303487.3); c.1559G>A, p.Arg520Gln (NM_001303489.3); short protein forms R520Q, R826Q, R852Q, R934Q.
Identifiers: ClinVar variation 3208651 (VCV003208651.1), dbSNP rs1179098207, ClinGen allele CA376811675.

ClinVar aggregate classification (germline): Uncertain significance (1 of 4 stars; one submission).

Allele frequency attached by ClinVar (database versions not stated): gnomAD 0.00001; TOPMed 0.00001.
gnomAD v4.1: 8 of 1,551,192 alleles (0.00052%); highest among the groups gnomAD compares: African/African-American, 0.0014%; no homozygotes.

Submission:

Ambry Genetics
Classification: Uncertain significance. Last evaluated: 2024-02-22. Review status: criteria provided, single submitter. Criteria: Ambry Variant Classification Scheme 2023. Collection method: clinical testing. Allele origin: germline.
Comment: The c.2801G>A (p.R934Q) alteration is located in exon (coding exon ) of the PARG gene. This alteration results from a G to A substitution at nucleotide position 2801, causing the arginine (R) at amino acid position 934 to be replaced by a glutamine (Q). Based on insufficient or conflicting evidence, the clinical significance of this alteration remains unclear.